The following is an entry in ClinVar:

NM_007294.4(BRCA1):c.766A>T (p.Arg256Trp)

Gene: BRCA1 (BRCA1 DNA repair associated; minus strand). Cytogenetic location: 17q21.31.
Variant type: single nucleotide variant.
Coding change: c.766A>T on transcript NM_007294.4 (MANE Select); coding-DNA position 766, A replaced by T.
Protein change: p.Arg256Trp; replaces arginine 256 with tryptophan.
Molecular consequence: missense variant. On other transcripts: non-coding transcript variant (1).
Genome position (GRCh38, 1-based): chr17:43,094,765, T>A on the plus strand (A>T on the coding strand, the complement: BRCA1 is on the minus strand). VCF-style: chr17-43094765-T-A. GRCh37 (hg19) VCF-style: chr17-41246782-T-A.
Other names: c.502A>T, p.Arg168Trp (NM_001408501.1, NM_001407920.1, NM_001407921.1 and 15 more transcripts); c.433A>T, p.Arg145Trp (NM_001408502.1, NM_001407946.1, NM_001407947.1 and 7 more transcripts); c.499A>T, p.Arg167Trp (NM_001408503.1, NM_001408504.1, NM_001408505.1 and 5 more transcripts); c.430A>T, p.Arg144Trp (NM_001408508.1, NM_001408509.1, NM_001407954.1 and 3 more transcripts); c.385A>T, p.Arg129Trp (NM_001408510.1, NM_001407959.1, NM_001407960.1 and 1 more transcripts); c.262A>T, p.Arg88Trp (NM_001408512.1, NM_001407965.1); c.556A>T, p.Arg186Trp (NM_001408513.1, NM_001408514.1, NM_001407879.1 and 25 more transcripts); c.625A>T, p.Arg209Trp (NM_007297.4, NM_001407692.1, NM_001407694.1 and 43 more transcripts); and 14 more; short protein forms R256W, R209W, R129W, R144W, R168W, R214W, R230W, R88W.
Identifiers: ClinVar variation 141549 (VCV000141549.20), dbSNP rs587781833, ClinGen allele CA003856.

ClinVar aggregate classification (germline): Conflicting classifications of pathogenicity. Review status: criteria provided, conflicting classifications (1 of 4 stars). 6 submissions from 6 submitters: Uncertain significance (4); Likely benign (1). 1 of the submissions does not count toward it. Last evaluated 2025-11-30.

Conditions:
Hereditary cancer-predisposing syndrome. Also called: Tumor predisposition; Hereditary neoplastic syndrome; Hereditary Cancer Syndrome; Neoplastic Syndromes, Hereditary. Identifiers: Orphanet 140162, MedGen C0027672, MeSH D009386, MONDO:0015356.
Hereditary breast ovarian cancer syndrome. Also called: Hereditary breast and/or ovarian cancer syndrome; Breast and ovarian cancer; Hereditary breast and ovarian cancer syndrome; Hereditary breast and ovarian cancer; Hereditary breast and ovarian cancer syndrome (HBOC); BRCA1- and BRCA2-Associated Hereditary Breast and Ovarian Cancer. Identifiers: Orphanet 145, MedGen C0677776, MeSH D061325, MONDO:0003582. Disease mechanism: loss of function.
Breast-ovarian cancer, familial, susceptibility to, 1 (BROVCA1). Also called: BRCA1 Hereditary Breast and Ovarian Cancer; OVARIAN CANCER, SUSCEPTIBILITY TO. Identifiers: Orphanet 145, MedGen C2676676, MONDO:0011450, OMIM 604370. Disease mechanism: loss of function.

Allele frequency attached by ClinVar (database versions not stated): TOPMed 0.00001.
gnomAD v4.1: 1 of 1,611,556 alleles (0.000062%); highest among the groups gnomAD compares: Non-Finnish European, 0.000085%; no homozygotes.

Submissions (6):

Ambry Genetics
Classification: Uncertain significance for Hereditary cancer-predisposing syndrome. Last evaluated: 2025-11-30. Review status: criteria provided, single submitter. Criteria: Ambry Variant Classification Scheme 2023. Collection method: clinical testing. Allele origin: germline.
Comment: The p.R256W variant (also known as c.766A>T), located in coding exon 9 of the BRCA1 gene, results from an A to T substitution at nucleotide position 766. The arginine at codon 256 is replaced by tryptophan, an amino acid with dissimilar properties. Based on protein sequence alignment, this amino acid position is not well conserved in available vertebrate species. In addition, this alteration is predicted to be deleterious by in silico analysis. Since supporting evidence is limited at this time, the clinical significance of this alteration remains unclear.

Color Diagnostics, LLC DBA Color Health
Classification: Uncertain significance for Hereditary cancer-predisposing syndrome. Last evaluated: 2025-06-10. Review status: criteria provided, single submitter. Criteria: ACMG Guidelines, 2015. Collection method: clinical testing. Allele origin: germline.
Comment: This missense variant replaces arginine with tryptophan at codon 256 of the BRCA1 protein. Computational prediction is inconclusive regarding the impact of this variant on protein structure and function. To our knowledge, functional studies have not been reported for this variant. A multifactorial analysis has reported a likelihood ratio for pathogenicity based on personal and family history of 2.79 from log(LR)=0.4457 for two carriers (PMID: 31853058). This variant has been detected in 1 individual older than age 70 years who has never had cancer (FLOSSIES database). This variant has not been identified in the general population by the Genome Aggregation Database (gnomAD). The available evidence is insufficient to determine the role of this variant in disease conclusively. Therefore, this variant is classified as a Variant of Uncertain Significance.

Labcorp Genetics (formerly Invitae), Labcorp
Classification: Uncertain significance for Hereditary breast ovarian cancer syndrome. Last evaluated: 2024-11-05. Review status: criteria provided, single submitter. Criteria: Invitae Variant Classification Sherloc (09022015). Collection method: clinical testing. Allele origin: germline.
Comment: This sequence change replaces arginine, which is basic and polar, with tryptophan, which is neutral and slightly polar, at codon 256 of the BRCA1 protein (p.Arg256Trp). This variant is not present in population databases (gnomAD no frequency). This missense change has been observed in individual(s) with breast or ovarian cancer (PMID: 34981296). ClinVar contains an entry for this variant (Variation ID: 141549). Invitae Evidence Modeling of protein sequence and biophysical properties (such as structural, functional, and spatial information, amino acid conservation, physicochemical variation, residue mobility, and thermodynamic stability) indicates that this missense variant is expected to disrupt BRCA1 protein function with a positive predictive value of 80%. In summary, the available evidence is currently insufficient to determine the role of this variant in disease. Therefore, it has been classified as a Variant of Uncertain Significance.

Institute for Biomarker Research, Medical Diagnostic Laboratories, L.L.C.
Classification: Uncertain significance for Hereditary breast ovarian cancer syndrome. Last evaluated: 2024-05-14. Review status: criteria provided, single submitter. Criteria: ACMG Guidelines, 2015. Collection method: clinical testing. Allele origin: germline.

University of Washington Department of Laboratory Medicine, University of Washington
Classification: Likely benign for Hereditary cancer-predisposing syndrome. Last evaluated: 2023-03-23. Review status: criteria provided, single submitter. Criteria: Dines et al. (Genet Med. 2020). Collection method: curation. Allele origin: germline.
Comment: Missense variant in a coldspot region where missense variants are very unlikely to be pathogenic (PMID:31911673).

BRCA1 coldspot (exon 11 using historical exon numbering). Reclassification based on statistical prior probability

BRCAlab, Lund University
Classification: Uncertain significance for Breast-ovarian cancer, familial, susceptibility to, 1. Last evaluated: 2020-03-02. Review status: no assertion criteria provided. Collection method: clinical testing. Allele origin: germline. Affected: yes. Not counted in ClinVar's aggregate classification.

Literature cited by the submitters: PubMed 31853058 (cited by Color Diagnostics, LLC DBA Color Health); PubMed 34981296 (cited by Labcorp Genetics (formerly Invitae), Labcorp).